The following is an entry in ClinVar:

NM_007294.4(BRCA1):c.3296C>G (p.Pro1099Arg)

Genes: BRCA1 (BRCA1 DNA repair associated; minus strand), LOC126862571 (BRD4-independent group 4 enhancer GRCh37_chr17:41243136-41244335; plus strand). Cytogenetic location: 17q21.31.
Variant type: single nucleotide variant.
Coding change: c.3296C>G on transcript NM_007294.4 (MANE Select); coding-DNA position 3296, C replaced by G.
Protein change: p.Pro1099Arg; replaces proline 1099 with arginine.
Molecular consequence: missense variant. On other transcripts: intron variant (137).
Genome position (GRCh38, 1-based): chr17:43,092,235, G>C on the plus strand (C>G on the coding strand, the complement: BRCA1 is on the minus strand). VCF-style: chr17-43092235-G-C. GRCh37 (hg19) VCF-style: chr17-41244252-G-C.
Other names: c.3173C>G, p.Pro1058Arg (NM_001407676.1, NM_001407677.1, NM_001407674.1 and 19 more transcripts); c.3296C>G, p.Pro1099Arg (NM_001407684.1, NM_001407854.1, NM_001407858.1 and 30 more transcripts); c.3170C>G, p.Pro1057Arg (NM_001407685.1, NM_001407686.1, NM_001407687.1 and 11 more transcripts); c.3155C>G, p.Pro1052Arg (NM_001407692.1, NM_001407694.1, NM_001407695.1 and 29 more transcripts); c.3152C>G, p.Pro1051Arg (NM_001407740.1, NM_001407741.1, NM_001407742.1 and 20 more transcripts); c.3083C>G, p.Pro1028Arg (NM_001407853.1, NM_001407894.1, NM_001407895.1 and 9 more transcripts); c.3293C>G, p.Pro1098Arg (NM_001407860.1, NM_001407861.1, NM_001407587.1 and 22 more transcripts); c.3095C>G, p.Pro1032Arg (NM_001407862.1); and 41 more; short protein forms P1028R, P971R, P1011R, P1029R, P1032R, P1096R, P987R, P988R.
Identifiers: ClinVar variation 2087916 (VCV002087916.6), dbSNP rs80357201, ClinGen allele CA10595395.

ClinVar aggregate classification (germline): Conflicting classifications of pathogenicity. Review status: criteria provided, conflicting classifications (1 of 4 stars). 2 submissions from 2 submitters: Uncertain significance (1); Likely benign (1). Last evaluated 2023-03-23.

Conditions:
Hereditary cancer-predisposing syndrome. Also called: Tumor predisposition; Hereditary Cancer Syndrome; Hereditary neoplastic syndrome; Neoplastic Syndromes, Hereditary. Identifiers: Orphanet 140162, MedGen C0027672, MeSH D009386, MONDO:0015356.
Hereditary breast ovarian cancer syndrome. Also called: Hereditary breast and ovarian cancer syndrome; Breast and ovarian cancer; BRCA1- and BRCA2-Associated Hereditary Breast and Ovarian Cancer; Hereditary breast and ovarian cancer syndrome (HBOC); Hereditary breast and ovarian cancer; Hereditary breast and/or ovarian cancer syndrome. Identifiers: Orphanet 145, MedGen C0677776, MeSH D061325, MONDO:0003582. Disease mechanism: loss of function.

Submissions (2):

University of Washington Department of Laboratory Medicine, University of Washington
Classification: Likely benign for Hereditary cancer-predisposing syndrome. Last evaluated: 2023-03-23. Review status: criteria provided, single submitter. Criteria: Dines et al. (Genet Med. 2020). Collection method: curation. Allele origin: germline.
Comment: Missense variant in a coldspot region where missense variants are very unlikely to be pathogenic (PMID:31911673).

BRCA1 coldspot (exon 11 using historical exon numbering). Reclassification based on statistical prior probability

Labcorp Genetics (formerly Invitae), Labcorp
Classification: Uncertain significance for Hereditary breast ovarian cancer syndrome. Last evaluated: 2022-01-19. Review status: criteria provided, single submitter. Criteria: Invitae Variant Classification Sherloc (09022015). Collection method: clinical testing. Allele origin: germline.
Comment: This variant has not been reported in the literature in individuals affected with BRCA1-related conditions. This variant is not present in population databases (gnomAD no frequency). This sequence change replaces proline, which is neutral and non-polar, with arginine, which is basic and polar, at codon 1099 of the BRCA1 protein (p.Pro1099Arg). Advanced modeling of protein sequence and biophysical properties (such as structural, functional, and spatial information, amino acid conservation, physicochemical variation, residue mobility, and thermodynamic stability) performed at Invitae indicates that this missense variant is not expected to disrupt BRCA1 protein function. In summary, the available evidence is currently insufficient to determine the role of this variant in disease. Therefore, it has been classified as a Variant of Uncertain Significance.